The following is an entry in ClinVar:

NM_000548.5(TSC2):c.1077C>T (p.Asp359=)

Gene: TSC2 (TSC complex subunit 2; plus strand). Cytogenetic location: 16p13.3.
Variant type: single nucleotide variant.
Coding change: c.1077C>T on transcript NM_000548.5 (MANE Select); coding-DNA position 1077, C replaced by T.
Protein change: p.Asp359=; no amino-acid change (aspartic acid 359 retained).
Molecular consequence: synonymous variant.
Genome position (GRCh38, 1-based): chr16:2,060,771, C>T. VCF-style: chr16-2060771-C-T. GRCh37 (hg19) VCF-style: chr16-2110772-C-T.
Other names: c.1077C>T, p.Asp359= (NM_001077183.3, NM_001114382.3, NM_001363528.2 and 3 more transcripts); c.966C>T, p.Asp322= (NM_001318827.2); c.930C>T, p.Asp310= (NM_001318829.2); c.477C>T, p.Asp159= (NM_001318831.2); c.1110C>T, p.Asp370= (NM_001318832.2).
Identifiers: ClinVar variation 511330 (VCV000511330.15), dbSNP rs1555500558, ClinGen allele CA492961043.
Genomic context (GRCh38, chr16:2,060,771, plus strand): 5'-CCTGTCCATCACCAGGCTCATCAAGAAGTATAGGAAGGAGCTCCAGGTGGTGGCGTGGGA[C>T]ATTCTGCTGAACATCATCGAACGGCTCCTTCAGCAGCTCCAGGTGGGGTGGGGGCAGGAG-3'
Protein context (NP_000539.2, residues 349-369): YRKELQVVAW[Asp359=]ILLNIIERLL

ClinVar aggregate classification (germline): Benign/Likely benign. Review status: criteria provided, multiple submitters, no conflicts (2 of 4 stars). 5 submissions from 5 submitters: Benign (2); Likely benign (3). Last evaluated 2025-05-13.

Conditions:
Hereditary cancer-predisposing syndrome. Also called: Hereditary Cancer Syndrome; Tumor predisposition; Neoplastic Syndromes, Hereditary; Hereditary neoplastic syndrome. Identifiers: Orphanet 140162, MedGen C0027672, MeSH D009386, MONDO:0015356.
Tuberous sclerosis 2 (TSC2). Identifiers: Orphanet 805, MedGen C1860707, MONDO:0013199, OMIM 613254.

Allele frequency attached by ClinVar (database versions not stated): gnomAD exomes 0.00001.
gnomAD v4.1: 9 of 1,613,922 alleles (0.00056%); highest among the groups gnomAD compares: Non-Finnish European, 0.00068%; no homozygotes.

Submissions (5):

Myriad Genetics, Inc.
Classification: Benign for Tuberous sclerosis 2. Last evaluated: 2025-05-13. Review status: criteria provided, single submitter. Criteria: Myriad Autosomal Dominant, Autosomal Recessive and X-Linked Classification Criteria (2023). Collection method: clinical testing. Allele origin: unknown.
Comment: This variant is considered benign. This variant is a silent/synonymous amino acid change and it is not expected to impact splicing.

Labcorp Genetics (formerly Invitae), Labcorp
Classification: Likely benign for Tuberous sclerosis 2. Last evaluated: 2022-10-05. Review status: criteria provided, single submitter. Criteria: Invitae Variant Classification Sherloc (09022015). Collection method: clinical testing. Allele origin: germline.

Ambry Genetics
Classification: Likely benign for Hereditary cancer-predisposing syndrome. Last evaluated: 2022-03-03. Review status: criteria provided, single submitter. Criteria: Ambry Variant Classification Scheme 2023. Collection method: clinical testing. Allele origin: germline.

Genome-Nilou Lab
Classification: Benign for Tuberous sclerosis 2. Last evaluated: 2021-11-07. Review status: criteria provided, single submitter. Criteria: ACMG Guidelines, 2015. Collection method: clinical testing. Allele origin: germline. Affected: no.

GeneDx
Classification: Likely benign. Last evaluated: 2017-08-07. Review status: criteria provided, single submitter. Criteria: GeneDx Variant Classification (06012015). Collection method: clinical testing. Allele origin: germline. Affected: yes.
Comment: This variant is considered likely benign or benign based on one or more of the following criteria: it is a conservative change, it occurs at a poorly conserved position in the protein, it is predicted to be benign by multiple in silico algorithms, and/or has population frequency not consistent with disease.